The following is an entry in ClinVar:

ClinVar aggregate classification (germline): Pathogenic. Review status: criteria provided, multiple submitters, no conflicts (2 of 4 stars). 3 submissions from 3 submitters: Pathogenic (3). Last evaluated 2025-10-23.

Conditions:
Ehlers-Danlos syndrome, classic-like, 2. Identifiers: Orphanet 536532, MedGen C4693870, MONDO:0054813, OMIM 618000.

Allele frequency attached by ClinVar (database versions not stated): gnomAD 0.00002; gnomAD exomes 0.00001; TOPMed 0.00002.
gnomAD v4.1: 14 of 1,606,912 alleles (0.00087%); highest among the groups gnomAD compares: Non-Finnish European, 0.0012%; no homozygotes.

Submissions (3):

Women's Health and Genetics/Laboratory Corporation of America, LabCorp
Classification: Pathogenic for Ehlers-Danlos syndrome, classic-like, 2. Last evaluated: 2025-10-23. Review status: criteria provided, single submitter. Criteria: LabCorp Variant Classification Summary - May 2015. Collection method: clinical testing. Allele origin: germline.
Comment: Variant summary: AEBP1 c.1630+2T>A is located in a canonical splice-site and is predicted to affect mRNA splicing resulting in a significantly altered protein due to either exon skipping, shortening, or inclusion of intronic material. Variants that disrupt the consensus splice site are a relatively common cause of aberrant splicing and loss of AEBP1 function. Several computational tools predict a significant impact on normal splicing: Four predict the variant abolishes a canonical 5' splicing donor site. However, these predictions have yet to be confirmed by functional studies. The variant was absent in 245374 control chromosomes (gnomAD). To our knowledge, no occurrence of c.1630+2T>A in individuals affected with AEBP1-related conditions and no experimental evidence demonstrating its impact on protein function have been reported. Another variant affecting this splicing donor site has been determined to be pathogenic (c.1630+1G>A). ClinVar contains an entry for this variant (Variation ID: 3020767). Based on the evidence outlined above, the variant was classified as pathogenic.

Labcorp Genetics (formerly Invitae), Labcorp
Classification: Pathogenic. Last evaluated: 2025-08-11. Review status: criteria provided, single submitter. Criteria: Invitae Variant Classification Sherloc (09022015). Collection method: clinical testing. Allele origin: germline.
Comment: This sequence change affects a donor splice site in intron 13 of the AEBP1 gene. It is expected to disrupt RNA splicing. Variants that disrupt the donor or acceptor splice site typically lead to a loss of protein function (PMID: 16199547), and loss-of-function variants in AEBP1 are known to be pathogenic (PMID: 29606302). This variant is not present in population databases (gnomAD no frequency). Disruption of this splice site has been observed in individual(s) with clinical features of AEBP1-related conditions (PMID: 27023906). It has also been observed to segregate with disease in related individuals. ClinVar contains an entry for this variant (Variation ID: 3020767). Algorithms developed to predict the effect of sequence changes on RNA splicing suggest that this variant may disrupt the consensus splice site. For these reasons, this variant has been classified as Pathogenic.

GeneDx
Classification: Pathogenic. Last evaluated: 2024-07-18. Review status: criteria provided, single submitter. Criteria: GeneDx Variant Classification Process June 2021. Collection method: clinical testing. Allele origin: germline. Affected: yes.
Comment: Canonical splice site variant predicted to result in a null allele in a gene for which loss of function is a known mechanism of disease; Not observed at significant frequency in large population cohorts (gnomAD); Has not been previously published as pathogenic or benign to our knowledge

Literature cited by the submitters: PubMed 16199547 (cited by Labcorp Genetics (formerly Invitae), Labcorp); PubMed 29606302 (cited by Labcorp Genetics (formerly Invitae), Labcorp); PubMed 27023906 (cited by Labcorp Genetics (formerly Invitae), Labcorp).

NM_001129.5(AEBP1):c.1630+2T>A

Gene: AEBP1 (AE binding protein 1; plus strand). Cytogenetic location: 7p13.
Variant type: single nucleotide variant.
Coding change: c.1630+2T>A on transcript NM_001129.5 (MANE Select); the canonical splice donor site of the intron after coding-DNA position 1630, T replaced by A.
Molecular consequence: splice donor variant.
Genome position (GRCh38, 1-based): chr7:44,111,059, T>A. VCF-style: chr7-44111059-T-A. GRCh37 (hg19) VCF-style: chr7-44150658-T-A.
Identifiers: ClinVar variation 3020767 (VCV003020767.5), dbSNP rs1367905743, ClinGen allele CA367365785.